The following is an entry in ClinVar:

NM_001374736.1(DST):c.11760CTT[1] (p.Phe3921del)

Gene: DST (dystonin; minus strand). Cytogenetic location: 6p12.1.
Variant type: Microsatellite.
Coding change: c.11760CTT[1] on transcript NM_001374736.1 (MANE Select); one copy of the 3-base unit CTT starting at c.11760; the reference has two copies in a row; one copy, 3 bases deleted.
Protein change: p.Phe3921del; deletes phenylalanine 3921.
Molecular consequence: inframe deletion.
Genome position (GRCh38, 1-based): chr6:56,598,639-56,598,641, AAG deleted on the plus strand (CTT on the coding strand, the reverse complement: DST is on the minus strand); deleting any 3 consecutive bases within chr6:56,598,639-56,598,644 gives the same sequence; the position shown is the placement nearest the transcript's 3' end. VCF-style (leftmost placement, unchanged base first): chr6-56598638-TAAG-T. GRCh37 (hg19) VCF-style: chr6-56463436-TAAG-T.
Other names: c.5403CTT[1], p.Phe1802del (NM_001144769.5); c.4989CTT[1], p.Phe1664del (NM_001144770.2); c.11760CTT[1], p.Phe3921del (NM_001374722.1); c.11127CTT[1], p.Phe3710del (NM_001374729.1); c.4869CTT[1], p.Phe1624del (NM_001374730.1, NM_183380.4); c.11787CTT[1], p.Phe3930del (NM_001374734.1); c.3891CTT[1], p.Phe1298del (NM_015548.5); short protein forms F1298del, F1664del, F1802del, F3921del, F3930del, F1624del, F3710del.
Identifiers: ClinVar variation 969572 (VCV000969572.6), dbSNP rs754940406, ClinGen allele CA3868576.
Genomic context (GRCh38, chr6:56,598,638, plus strand): 5'-ATTAAGTTTCTGTTCAATCAAAGCCTTATCTTCCTGTGACAGCTTTTCACCATTCTCTTT[TAAG>T]AAGTTCTCTGTGTTTTTCACTACTTCAGCCAATGCCTGTGCACTTCCTTGCATATCTTTC-3'

ClinVar aggregate classification (germline): Uncertain significance. Review status: criteria provided, multiple submitters, no conflicts (2 of 4 stars). 2 submissions from 2 submitters: Uncertain significance (2). Last evaluated 2021-06-13.

Conditions:
Epidermolysis bullosa simplex 3, localized or generalized intermediate, with BP230 deficiency (EBS3). Also called: Epidermolysis bullosa simplex, autosomal recessive 2; Epidermolysis bullosa simplex due to BP230 deficiency. Identifiers: Orphanet 412181, MedGen C3809470, MONDO:0014180, OMIM 615425.
Hereditary sensory and autonomic neuropathy type 6. Also called: Neuropathy, hereditary sensory and autonomic, type VI; HSAN VI. Identifiers: Orphanet 314381, MedGen C3539003, MONDO:0013839, OMIM 614653.

Submissions (2):

Labcorp Genetics (formerly Invitae), Labcorp
Classification: Uncertain significance for Epidermolysis bullosa simplex 3, localized or generalized intermediate, with BP230 deficiency; Hereditary sensory and autonomic neuropathy type 6. Last evaluated: 2021-06-13. Review status: criteria provided, single submitter. Criteria: Invitae Variant Classification Sherloc (09022015). Collection method: clinical testing. Allele origin: germline.
Comment: This variant, c.3894_3896del, results in the deletion of 1 amino acid(s) of the DST protein (p.Phe1298del), but otherwise preserves the integrity of the reading frame. The DST gene has multiple clinically relevant transcripts. The p.Phe1298del variant occurs in alternate transcript NM_015548.4, which corresponds to NM_001723.5:c.*16876_*16878del in the primary transcript. This variant is present in population databases (rs754940406, ExAC 0.1%). This variant has not been reported in the literature in individuals with DST-related conditions. ClinVar contains an entry for this variant (Variation ID: 969572). Experimental studies and prediction algorithms are not available for this variant, and the functional significance of the affected amino acid(s) is currently unknown. In summary, the available evidence is currently insufficient to determine the role of this variant in disease. Therefore, it has been classified as a Variant of Uncertain Significance.

Breakthrough Genomics
Classification: Uncertain significance. Review status: criteria provided, single submitter. Criteria: ACMG Guidelines, 2015. Collection method: not provided. Allele origin: germline. Inheritance: Autosomal recessive inheritance. Affected: yes.